The following is an entry in ClinVar:

NM_023067.4(FOXL2):c.861G>A (p.Pro287=)

Gene: FOXL2 (forkhead box L2; minus strand). Cytogenetic location: 3q22.3.
Variant type: single nucleotide variant.
Coding change: c.861G>A on transcript NM_023067.4 (MANE Select); coding-DNA position 861, G replaced by A.
Protein change: p.Pro287=; no amino-acid change (proline 287 retained).
Molecular consequence: synonymous variant.
Genome position (GRCh38, 1-based): chr3:138,945,862, C>T on the plus strand (G>A on the coding strand, the complement: FOXL2 is on the minus strand). VCF-style: chr3-138945862-C-T. GRCh37 (hg19) VCF-style: chr3-138664704-C-T.
Identifiers: ClinVar variation 4804476 (VCV004804476.1).

ClinVar aggregate classification (germline): Uncertain significance (1 of 4 stars; one submission).

Submission:

Labcorp Genetics (formerly Invitae), Labcorp
Classification: Uncertain significance. Last evaluated: 2026-01-27. Review status: criteria provided, single submitter. Criteria: Invitae Variant Classification Sherloc (09022015). Collection method: clinical testing. Allele origin: germline.
Comment: This sequence change affects codon 287 of the FOXL2 mRNA. It is a 'silent' change, meaning that it does not change the encoded amino acid sequence of the FOXL2 protein. This variant is present in population databases (rs761101971, gnomAD 0.2%). This variant has not been reported in the literature in individuals affected with FOXL2-related conditions. In summary, the available evidence is currently insufficient to determine the role of this variant in disease. Therefore, it has been classified as a Variant of Uncertain Significance.